The following is an entry in ClinVar:

NM_014363.6(SACS):c.12953G>A (p.Trp4318Ter)

Gene: SACS (sacsin molecular chaperone; minus strand). Cytogenetic location: 13q12.12.
Variant type: single nucleotide variant.
Coding change: c.12953G>A on transcript NM_014363.6 (MANE Select); coding-DNA position 12953, G replaced by A.
Protein change: p.Trp4318Ter; replaces tryptophan 4318 with a stop codon.
Molecular consequence: nonsense.
Genome position (GRCh38, 1-based): chr13:23,330,923, C>T on the plus strand (G>A on the coding strand, the complement: SACS is on the minus strand). VCF-style: chr13-23330923-C-T. GRCh37 (hg19) VCF-style: chr13-23905062-C-T.
Other names: c.12512G>A, p.Trp4171Ter (NM_001278055.2); short protein forms W4171*, W4318*.
Identifiers: ClinVar variation 2759053 (VCV002759053.3), dbSNP rs2542145946, ClinGen allele CA387506337.

ClinVar aggregate classification (germline): Pathogenic (1 of 4 stars; one submission).

Conditions:
Spastic paraplegia. Identifiers: MedGen C0037772, HP:0001258.

Submission:

Labcorp Genetics (formerly Invitae), Labcorp
Classification: Pathogenic for Spastic paraplegia. Last evaluated: 2023-09-08. Review status: criteria provided, single submitter. Criteria: Invitae Variant Classification Sherloc (09022015). Collection method: clinical testing. Allele origin: germline.
Comment: This variant has not been reported in the literature in individuals affected with SACS-related conditions. For these reasons, this variant has been classified as Pathogenic. This variant disrupts a region of the SACS protein in which other variant(s) (p.Tyr4538*) have been determined to be pathogenic (Invitae). This suggests that this is a clinically significant region of the protein, and that variants that disrupt it are likely to be disease-causing. This variant is not present in population databases (gnomAD no frequency). This sequence change creates a premature translational stop signal (p.Trp4318*) in the SACS gene. While this is not anticipated to result in nonsense mediated decay, it is expected to disrupt the last 262 amino acid(s) of the SACS protein.